The following is an entry in ClinVar:

ClinVar aggregate classification (germline): Uncertain significance (1 of 4 stars; one submission).

Conditions:
COG1 congenital disorder of glycosylation (CDG2G). Also called: CONGENITAL DISORDER OF GLYCOSYLATION, TYPE IIg; CDG IIg; CDGII/COG1 CEREBROCOSTOMANDIBULAR-LIKE SYNDROME. Identifiers: Orphanet 263508, MedGen C2931011, MONDO:0012637, OMIM 611209.

gnomAD v4.1: 2 of 1,614,206 alleles (0.00012%); highest among the groups gnomAD compares: Non-Finnish European, 0.00017%; no homozygotes.

Submission:

Labcorp Genetics (formerly Invitae), Labcorp
Classification: Uncertain significance for COG1 congenital disorder of glycosylation. Last evaluated: 2024-01-02. Review status: criteria provided, single submitter. Criteria: Invitae Variant Classification Sherloc (09022015). Collection method: clinical testing. Allele origin: germline.
Comment: This sequence change replaces cysteine, which is neutral and slightly polar, with serine, which is neutral and polar, at codon 200 of the COG1 protein (p.Cys200Ser). This variant is not present in population databases (gnomAD no frequency). This variant has not been reported in the literature in individuals affected with COG1-related conditions. Advanced modeling of protein sequence and biophysical properties (such as structural, functional, and spatial information, amino acid conservation, physicochemical variation, residue mobility, and thermodynamic stability) performed at Invitae indicates that this missense variant is not expected to disrupt COG1 protein function with a negative predictive value of 80%. In summary, the available evidence is currently insufficient to determine the role of this variant in disease. Therefore, it has been classified as a Variant of Uncertain Significance.

NM_018714.3(COG1):c.599G>C (p.Cys200Ser)

Gene: COG1 (component of oligomeric golgi complex 1; plus strand). Cytogenetic location: 17q25.1.
Variant type: single nucleotide variant.
Coding change: c.599G>C on transcript NM_018714.3 (MANE Select); coding-DNA position 599, G replaced by C.
Protein change: p.Cys200Ser; replaces cysteine 200 with serine.
Molecular consequence: missense variant.
Genome position (GRCh38, 1-based): chr17:73,196,938, G>C. VCF-style: chr17-73196938-G-C. GRCh37 (hg19) VCF-style: chr17-71193077-G-C.
Other names: short protein forms C200S.
Identifiers: ClinVar variation 2870715 (VCV002870715.3), dbSNP rs2145093008, ClinGen allele CA400884753.